The following is an entry in ClinVar:

NM_001394807.1(ADPRHL1):c.120C>T (p.Ser40=)

Gene: ADPRHL1 (ADP-ribosylhydrolase like 1; minus strand). Cytogenetic location: 13q34.
Variant type: single nucleotide variant.
Coding change: c.120C>T on transcript NM_001394807.1 (MANE Select); coding-DNA position 120, C replaced by T.
Protein change: p.Ser40=; no amino-acid change (serine 40 retained).
Molecular consequence: synonymous variant.
Genome position (GRCh38, 1-based): chr13:113,453,318, G>A on the plus strand (C>T on the coding strand, the complement: ADPRHL1 is on the minus strand). VCF-style: chr13-113453318-G-A. GRCh37 (hg19) VCF-style: chr13-114107633-G-A.
Other names: c.120C>T, p.Ser40= (NM_138430.5).
Identifiers: ClinVar variation 2644009 (VCV002644009.24), dbSNP rs537275759, ClinGen allele CA7063853.
Genomic context (GRCh38, chr13:113,453,318, plus strand): 5'-GATGGTGTTGTCACTCACGGGCCATTCTCCTGGCGAGAGTACGAGGTGGTCCAGGCCCCC[G>A]GAACGTTGCAGCTCCTCCTGGATCTTCATGCCTACAGTGCTGTTCTCCTTGCAGACATTT-3'
Protein context (NP_001381736.1, residues 30-50): GMKIQEELQR[Ser40=]GGLDHLVLSP

ClinVar aggregate classification (germline): Likely benign (1 of 4 stars; one submission).

Allele frequency attached by ClinVar (database versions not stated): ExAC 0.00006; gnomAD 0.00006; TOPMed 0.00007; 1000 Genomes Project 30x 0.00031; 1000 Genomes Project 0.00040.
gnomAD v4.1: 38 of 1,614,186 alleles (0.0024%); highest among the groups gnomAD compares: African/African-American, 0.021%; no homozygotes.

Submission:

CeGaT Center for Human Genetics Tuebingen
Classification: Likely benign. Last evaluated: 2022-12-01. Review status: criteria provided, single submitter. Criteria: CeGaT Center For Human Genetics Tuebingen Variant Classification Criteria Version 2. Collection method: clinical testing. Allele origin: germline. Affected: yes. Observed: 1 variant allele.
Comment: ADPRHL1: BP4, BP7